The following is an entry in ClinVar:

ClinVar aggregate classification (germline): Uncertain significance (1 of 4 stars; one submission).

Conditions:
Dilated cardiomyopathy 1J (CMD1J). Also called: CARDIOMYOPATHY, DILATED, WITH SENSORINEURAL HEARING LOSS, AUTOSOMAL DOMINANT. Identifiers: Orphanet 217622, MedGen C1854368, MONDO:0011541, OMIM 605362.

gnomAD v4.1: 4 of 1,613,970 alleles (0.00025%); highest among the groups gnomAD compares: East Asian, 0.0045%; no homozygotes.

Submission:

Labcorp Genetics (formerly Invitae), Labcorp
Classification: Uncertain significance for Dilated cardiomyopathy 1J. Last evaluated: 2024-10-18. Review status: criteria provided, single submitter. Criteria: Invitae Variant Classification Sherloc (09022015). Collection method: clinical testing. Allele origin: germline.
Comment: This sequence change replaces methionine, which is neutral and non-polar, with valine, which is neutral and non-polar, at codon 30 of the EYA4 protein (p.Met30Val). This variant is present in population databases (no rsID available, gnomAD 0.007%). This variant has not been reported in the literature in individuals affected with EYA4-related conditions. An algorithm developed to predict the effect of missense changes on protein structure and function (PolyPhen-2) suggests that this variant is likely to be tolerated. In summary, the available evidence is currently insufficient to determine the role of this variant in disease. Therefore, it has been classified as a Variant of Uncertain Significance.

NM_004100.5(EYA4):c.88A>G (p.Met30Val)

Gene: EYA4 (EYA transcriptional coactivator and phosphatase 4; plus strand). Cytogenetic location: 6q23.2.
Variant type: single nucleotide variant.
Coding change: c.88A>G on transcript NM_004100.5 (MANE Select); coding-DNA position 88, A replaced by G.
Protein change: p.Met30Val; replaces methionine 30 with valine.
Molecular consequence: missense variant.
Genome position (GRCh38, 1-based): chr6:133,446,634, A>G. VCF-style: chr6-133446634-A-G. GRCh37 (hg19) VCF-style: chr6-133767772-A-G.
Other names: c.88A>G, p.Met30Val (NM_001301012.2, NM_001301013.2, NM_001370458.1 and 3 more transcripts); short protein forms M30V.
Identifiers: ClinVar variation 3670066 (VCV003670066.2).